The following is an entry in ClinVar:

NM_000368.5(TSC1):c.913+18T>C

Gene: TSC1 (TSC complex subunit 1; minus strand). Cytogenetic location: 9q34.13.
Variant type: single nucleotide variant.
Coding change: c.913+18T>C on transcript NM_000368.5 (MANE Select); 18 bases into the intron after coding-DNA position 913, T replaced by C.
Molecular consequence: intron variant.
Genome position (GRCh38, 1-based): chr9:132,912,264, A>G on the plus strand (T>C on the coding strand, the complement: TSC1 is on the minus strand). VCF-style: chr9-132912264-A-G. GRCh37 (hg19) VCF-style: chr9-135787651-A-G.
Other names: c.550+18T>C (NM_001406620.1, NM_001406618.1, NM_001406625.1 and 10 more transcripts); c.760+18T>C (NM_001406613.1, NM_001406612.1, NM_001406610.1 and 2 more transcripts); c.-39+18T>C (NM_001406627.1, NM_001406628.1, NM_001406626.1); c.-181+18T>C (NM_001406629.1, NM_001406630.1); c.913+18T>C (NM_001406603.1, NM_001406609.1, NM_001406597.1 and 16 more transcripts).
Identifiers: ClinVar variation 2813920 (VCV002813920.3), dbSNP rs1846001054, ClinGen allele CA1882417841.
Genomic context (GRCh38, chr9:132,912,264, plus strand): 5'-AAAGAAAATCAACAAAGACAAATAATGTTTTCCAGAGACAAAGTTGCAAAACAGATAAGT[A>G]CCAAAGACACTTTTTACCATAGCTATTCTGTGTGTCAGCATAAGGGCTGGTGGTGACATC-3'

ClinVar aggregate classification (germline): Uncertain significance (1 of 4 stars; one submission).

Conditions:
Tuberous sclerosis 1 (TSC1). Identifiers: Orphanet 805, MedGen C1854465, MONDO:0008612, OMIM 191100.

Submission:

Labcorp Genetics (formerly Invitae), Labcorp
Classification: Uncertain significance for Tuberous sclerosis 1. Last evaluated: 2022-11-12. Review status: criteria provided, single submitter. Criteria: Invitae Variant Classification Sherloc (09022015). Collection method: clinical testing. Allele origin: germline.
Comment: In summary, the available evidence is currently insufficient to determine the role of this variant in disease. Therefore, it has been classified as a Variant of Uncertain Significance. This sequence change falls in intron 9 of the TSC1 gene. It does not directly change the encoded amino acid sequence of the TSC1 protein. This variant is not present in population databases (gnomAD no frequency). This variant has not been reported in the literature in individuals affected with TSC1-related conditions. Algorithms developed to predict the effect of sequence changes on RNA splicing suggest that this variant may disrupt the consensus splice site.